The following is an entry in ClinVar:

NM_014391.3(ANKRD1):c.644G>A (p.Arg215Gln)

Gene: ANKRD1 (ankyrin repeat domain 1; minus strand). Cytogenetic location: 10q23.31.
Variant type: single nucleotide variant.
Coding change: c.644G>A on transcript NM_014391.3 (MANE Select); coding-DNA position 644, G replaced by A.
Protein change: p.Arg215Gln; replaces arginine 215 with glutamine.
Molecular consequence: missense variant.
Genome position (GRCh38, 1-based): chr10:90,916,178, C>T on the plus strand (G>A on the coding strand, the complement: ANKRD1 is on the minus strand). VCF-style: chr10-90916178-C-T. GRCh37 (hg19) VCF-style: chr10-92675935-C-T.
Other names: short protein forms R215Q.
Identifiers: ClinVar variation 1418925 (VCV001418925.6), dbSNP rs1293523344, ClinGen allele CA377550604.

ClinVar aggregate classification (germline): Uncertain significance (1 of 4 stars; one submission).

Conditions:
ANKRD1-related dilated cardiomyopathy. Identifiers: MedGen CN119551.

gnomAD v4.1: 2 of 1,612,620 alleles (0.00012%); highest among the groups gnomAD compares: Non-Finnish European, 0.000085%; no homozygotes.

Submission:

Labcorp Genetics (formerly Invitae), Labcorp
Classification: Uncertain significance for ANKRD1-related dilated cardiomyopathy. Last evaluated: 2024-04-16. Review status: criteria provided, single submitter. Criteria: Invitae Variant Classification Sherloc (09022015). Collection method: clinical testing. Allele origin: germline.
Comment: This sequence change replaces arginine, which is basic and polar, with glutamine, which is neutral and polar, at codon 215 of the ANKRD1 protein (p.Arg215Gln). This variant is not present in population databases (gnomAD no frequency). This variant has not been reported in the literature in individuals affected with ANKRD1-related conditions. ClinVar contains an entry for this variant (Variation ID: 1418925). Advanced modeling of protein sequence and biophysical properties (such as structural, functional, and spatial information, amino acid conservation, physicochemical variation, residue mobility, and thermodynamic stability) performed at Invitae indicates that this missense variant is not expected to disrupt ANKRD1 protein function with a negative predictive value of 80%. In summary, the available evidence is currently insufficient to determine the role of this variant in disease. Therefore, it has been classified as a Variant of Uncertain Significance.